The following is an entry in ClinVar:

NM_000059.4(BRCA2):c.9144_9145del (p.Tyr3049fs)

Gene: BRCA2 (BRCA2 DNA repair associated; plus strand). Cytogenetic location: 13q13.1.
Variant type: Deletion.
Coding change: c.9144_9145del on transcript NM_000059.4 (MANE Select); coding-DNA positions 9144 to 9145, 2 bases deleted (TT; older notation c.9144_9145delTT).
Protein change: p.Tyr3049fs; shifts the reading frame from tyrosine 3049.
Molecular consequence: frameshift variant. On other transcripts: non-coding transcript variant (1).
Genome position (GRCh38, 1-based): chr13:32,380,033-32,380,034, TT deleted; deleting any 2 consecutive bases within chr13:32,380,032-32,380,034 gives the same sequence; the c. name uses the placement nearest the transcript's 3' end. VCF-style (leftmost placement, unchanged base first): chr13-32380031-ATT-A. GRCh37 (hg19) VCF-style: chr13-32954168-ATT-A.
Other names: c.9048_9049del, p.Tyr3017fs (NM_001406719.1); c.9093_9094del, p.Tyr3032fs (NM_001406720.1); c.4212_4213del, p.Tyr1405fs (NM_001406721.1); c.2727_2728del, p.Tyr910fs (NM_001406722.1); c.9144_9145del, p.Tyr3049fs (NM_001432077.1); short protein forms Y910fs, Y1405fs, Y3017fs, Y3032fs, Y3049fs.
Identifiers: ClinVar variation 4629229 (VCV004629229.3).

ClinVar aggregate classification (germline): Pathogenic. Review status: criteria provided, multiple submitters, no conflicts (2 of 4 stars). 3 submissions from 3 submitters: Pathogenic (3). Last evaluated 2026-07-21.

Conditions:
Hereditary cancer-predisposing syndrome. Also called: Neoplastic Syndromes, Hereditary; Tumor predisposition; Hereditary neoplastic syndrome; Hereditary Cancer Syndrome. Identifiers: Orphanet 140162, MedGen C0027672, MeSH D009386, MONDO:0015356.
Breast-ovarian cancer, familial, susceptibility to, 2 (BROVCA2). Also called: BRCA2 Hereditary Breast and Ovarian Cancer. Identifiers: Orphanet 145, MedGen C2675520, MONDO:0012933, OMIM 612555. Disease mechanism: loss of function.
Hereditary breast ovarian cancer syndrome. Also called: BRCA1- and BRCA2-Associated Hereditary Breast and Ovarian Cancer; Hereditary breast and ovarian cancer syndrome; Hereditary breast and ovarian cancer; Hereditary breast and ovarian cancer syndrome (HBOC); Breast and ovarian cancer; Hereditary breast and/or ovarian cancer syndrome. Identifiers: Orphanet 145, MedGen C0677776, MeSH D061325, MONDO:0003582. Disease mechanism: loss of function.

Submissions (3):

Myriad Genetics, Inc.
Classification: Pathogenic for Breast-ovarian cancer, familial, susceptibility to, 2. Last evaluated: 2026-07-21. Review status: criteria provided, single submitter. Criteria: Myriad Autosomal Dominant, Autosomal Recessive and X-Linked Classification Criteria (2023). Collection method: clinical testing. Allele origin: unknown.
Comment: This variant is considered pathogenic. This variant creates a frameshift predicted to result in premature protein truncation.

Labcorp Genetics (formerly Invitae), Labcorp
Classification: Pathogenic for Hereditary breast ovarian cancer syndrome. Last evaluated: 2026-01-25. Review status: criteria provided, single submitter. Criteria: Invitae Variant Classification Sherloc (09022015). Collection method: clinical testing. Allele origin: germline.
Comment: This sequence change creates a premature translational stop signal (p.Tyr3049Profs*22) in the BRCA2 gene. It is expected to result in an absent or disrupted protein product. Loss-of-function variants in BRCA2 are known to be pathogenic (PMID: 20104584). This variant is not present in population databases (gnomAD no frequency). This variant has not been reported in the literature in individuals affected with BRCA2-related conditions. For these reasons, this variant has been classified as Pathogenic.

Ambry Genetics
Classification: Pathogenic for Hereditary cancer-predisposing syndrome. Last evaluated: 2025-12-01. Review status: criteria provided, single submitter. Criteria: Ambry Variant Classification Scheme 2023. Collection method: clinical testing. Allele origin: germline.
Comment: The c.9144_9145delTT pathogenic mutation, located in coding exon 23 of the BRCA2 gene, results from a deletion of two nucleotides at nucleotide positions 9144 to 9145, causing a translational frameshift with a predicted alternate stop codon (p.Y3049Pfs*22). This variant is considered to be rare based on population cohorts in the Genome Aggregation Database (gnomAD). This alteration is expected to result in loss of function by premature protein truncation or nonsense-mediated mRNA decay. As such, this alteration is interpreted as a disease-causing mutation.

Literature cited by the submitters: PubMed 20104584 (cited by Labcorp Genetics (formerly Invitae), Labcorp).